The following is an entry in ClinVar:

ClinVar aggregate classification (germline): Uncertain significance. Review status: criteria provided, multiple submitters, no conflicts (2 of 4 stars). 4 submissions from 4 submitters: Uncertain significance (4). Last evaluated 2025-08-21.

Conditions:
Inborn genetic diseases. Identifiers: MedGen C0950123, MeSH D030342.
ASXL1-related disorder. Also called: ASXL1-related disorders; ASXL1-related condition.

Allele frequency attached by ClinVar (database versions not stated): TOPMed 0.00002.

Submissions (4):

Labcorp Genetics (formerly Invitae), Labcorp
Classification: Uncertain significance. Last evaluated: 2025-08-21. Review status: criteria provided, single submitter. Criteria: Invitae Variant Classification Sherloc (09022015). Collection method: clinical testing. Allele origin: germline.
Comment: This sequence change creates a premature translational stop signal (p.Leu1425Argfs*21) in the ASXL1 gene. While this is not anticipated to result in nonsense mediated decay, it is expected to disrupt the last 117 amino acid(s) of the ASXL1 protein. This variant is not present in population databases (gnomAD no frequency). This variant has not been reported in the literature in individuals affected with ASXL1-related conditions. ClinVar contains an entry for this variant (Variation ID: 2574739). Experimental studies and prediction algorithms are not available or were not evaluated, and the functional significance of this variant is currently unknown. In summary, the available evidence is currently insufficient to determine the role of this variant in disease. Therefore, it has been classified as a Variant of Uncertain Significance.

Ambry Genetics
Classification: Uncertain significance for Inborn genetic diseases. Last evaluated: 2025-01-09. Review status: criteria provided, single submitter. Criteria: Ambry Variant Classification Scheme 2023. Collection method: clinical testing. Allele origin: germline.
Comment: The c.4274_4275delTG (p.L1425Rfs*21) alteration, located in exon 13 (coding exon 13) of the ASXL1 gene, consists of a deletion of 2 nucleotides from position 4274 to 4275, causing a translational frameshift with a predicted alternate stop codon after 21 amino acids. This variant is not expected to trigger nonsense-mediated mRNA decay, and impacts the last 7.6% (117 amino acids) of the protein. The exact functional effect of this alteration is unknown. This variant was not reported in population-based cohorts in the Genome Aggregation Database (gnomAD). Based on insufficient or conflicting evidence, the clinical significance of this alteration remains unclear.

PreventionGenetics, part of Exact Sciences
Classification: Uncertain significance for ASXL1-related condition. Last evaluated: 2023-06-13. Review status: criteria provided, single submitter. Criteria: ACMG Guidelines, 2015. Collection method: clinical testing. Allele origin: germline.
Comment: The ASXL1 c.4274_4275delTG variant is predicted to result in a frameshift and premature protein termination (p.Leu1425Argfs*21). This variant resides in the final exon of this gene, and it is unclear if the resulting mRNA would undergo nonsense-mediated decay. To our knowledge, this variant has not been reported in the literature or in a large population database, indicating this variant is rare. Although we suspect that this variant may be pathogenic, at this time, the clinical significance of this variant is uncertain due to the absence of conclusive functional and genetic evidence.

GeneDx
Classification: Uncertain significance. Last evaluated: 2023-05-30. Review status: criteria provided, single submitter. Criteria: GeneDx Variant Classification Process June 2021. Collection method: clinical testing. Allele origin: germline. Affected: yes.
Comment: Not observed at significant frequency in large population cohorts (gnomAD); Frameshift variant predicted to result in protein truncation as the last 117 amino acids are replaced with 20 different amino acids, although loss-of-function variants have not been reported downstream of this position in the protein; Has not been previously published as pathogenic or benign to our knowledge

NM_015338.6(ASXL1):c.4274_4275del (p.Leu1425fs)

Gene: ASXL1 (ASXL transcriptional regulator 1; plus strand). Cytogenetic location: 20q11.21.
Variant type: Deletion.
Coding change: c.4274_4275del on transcript NM_015338.6 (MANE Select); coding-DNA positions 4274 to 4275, 2 bases deleted (TG; older notation c.4274_4275delTG).
Protein change: p.Leu1425fs; shifts the reading frame from leucine 1425.
Molecular consequence: frameshift variant.
Genome position (GRCh38, 1-based): chr20:32,436,986-32,436,987, TG deleted. VCF-style (leftmost placement, unchanged base first): chr20-32436985-CTG-C. GRCh37 (hg19) VCF-style: chr20-31024788-CTG-C.
Other names: c.4091_4092del, p.Leu1364fs (NM_001363734.1); short protein forms L1364fs, L1425fs.
Identifiers: ClinVar variation 2574739 (VCV002574739.4), dbSNP rs1463049576, ClinGen allele CA743642398.